The following is an entry in ClinVar:

NM_133433.4(NIPBL):c.7291A>C (p.Ile2431Leu)

Gene: NIPBL (NIPBL cohesin loading factor; plus strand). Cytogenetic location: 5p13.2.
Variant type: single nucleotide variant.
Coding change: c.7291A>C on transcript NM_133433.4 (MANE Select); coding-DNA position 7291, A replaced by C.
Protein change: p.Ile2431Leu; replaces isoleucine 2431 with leucine.
Molecular consequence: missense variant.
Genome position (GRCh38, 1-based): chr5:37,057,213, A>C. VCF-style: chr5-37057213-A-C. GRCh37 (hg19) VCF-style: chr5-37057315-A-C.
Other names: c.7291A>C, p.Ile2431Leu (NM_015384.5); short protein forms I2431L.
Identifiers: ClinVar variation 3347670 (VCV003347670.1).

ClinVar aggregate classification (germline): Uncertain significance (0 of 4 stars; one submission).

Conditions:
NIPBL-related disorder. Also called: NIPBL-related condition.

Submission:

PreventionGenetics, part of Exact Sciences
Classification: Uncertain significance for NIPBL-related condition. Last evaluated: 2024-06-26. Review status: no assertion criteria provided. Collection method: clinical testing. Allele origin: germline.
Comment: The NIPBL c.7291A>C variant is predicted to result in the amino acid substitution p.Ile2431Leu. To our knowledge, this variant has not been reported in the literature or in a large population database, indicating this variant is rare. At this time, the clinical significance of this variant is uncertain due to the absence of conclusive functional and genetic evidence.